The following is an entry in ClinVar:

ClinVar aggregate classification (germline): Conflicting classifications of pathogenicity. Review status: criteria provided, conflicting classifications (1 of 4 stars). 3 submissions from 3 submitters: Uncertain significance (1); Benign (1); Likely benign (1). Last evaluated 2025-07-14.

Conditions:
Primary ciliary dyskinesia. Also called: Ciliary dyskinesia. Identifiers: Orphanet 244, MedGen C0008780, MONDO:0016575, HP:0012265.

Allele frequency attached by ClinVar (database versions not stated): ExAC 0.00003; gnomAD exomes 0.00004 and 0.00016; gnomAD 0.00006 and 0.00007; ESP Exome Variant Server 0.00008; TOPMed 0.00010.
gnomAD v4.1: 232 of 1,612,642 alleles (0.014%); highest among the groups gnomAD compares: Non-Finnish European, 0.018%; no homozygotes.

Submissions (3):

GeneDx
Classification: Uncertain significance. Last evaluated: 2025-07-14. Review status: criteria provided, single submitter. Criteria: GeneDx Variant Classification Process June 2021. Collection method: clinical testing. Allele origin: germline. Affected: yes.
Comment: In silico analysis suggests that this missense variant does not alter protein structure/function; Has not been previously published as pathogenic or benign to our knowledge

Labcorp Genetics (formerly Invitae), Labcorp
Classification: Benign for Primary ciliary dyskinesia. Last evaluated: 2024-05-13. Review status: criteria provided, single submitter. Criteria: Invitae Variant Classification Sherloc (09022015). Collection method: clinical testing. Allele origin: germline.

Ambry Genetics
Classification: Likely benign for Primary ciliary dyskinesia. Last evaluated: 2016-08-10. Review status: criteria provided, single submitter. Criteria: Ambry Variant Classification Scheme 2023. Collection method: clinical testing. Allele origin: germline.

NM_001277115.2(DNAH11):c.4951T>C (p.Cys1651Arg)

Gene: DNAH11 (dynein axonemal heavy chain 11; plus strand). Cytogenetic location: 7p15.3.
Variant type: single nucleotide variant.
Coding change: c.4951T>C on transcript NM_001277115.2 (MANE Select); coding-DNA position 4951, T replaced by C.
Protein change: p.Cys1651Arg; replaces cysteine 1651 with arginine.
Molecular consequence: missense variant.
Genome position (GRCh38, 1-based): chr7:21,655,838, T>C. VCF-style: chr7-21655838-T-C. GRCh37 (hg19) VCF-style: chr7-21695456-T-C.
Other names: short protein forms C1651R.
Identifiers: ClinVar variation 1179569 (VCV001179569.13), dbSNP rs374946621, ClinGen allele CA4180253.